The following is an entry in ClinVar:

ClinVar aggregate classification (germline): Uncertain significance (1 of 4 stars; one submission).

Conditions:
Jeune thoracic dystrophy. Also called: Jeune syndrome; Infantile thoracic dystrophy; Thoracic pelvic phalangeal dystrophy; Jeune's syndrome; Chondroectodermal dysplasia-like syndrome; Short-rib thoracic dysplasia. Identifiers: Orphanet 474, MedGen C0265275, MONDO:0018770.

Allele frequency attached by ClinVar (database versions not stated): TOPMed below 0.00001.

Submission:

Labcorp Genetics (formerly Invitae), Labcorp
Classification: Uncertain significance for Jeune thoracic dystrophy. Last evaluated: 2022-02-10. Review status: criteria provided, single submitter. Criteria: Invitae Variant Classification Sherloc (09022015). Collection method: clinical testing. Allele origin: germline.
Comment: This variant is not present in population databases (gnomAD no frequency). This sequence change replaces alanine, which is neutral and non-polar, with threonine, which is neutral and polar, at codon 111 of the IFT80 protein (p.Ala111Thr). This variant has not been reported in the literature in individuals affected with IFT80-related conditions. In summary, the available evidence is currently insufficient to determine the role of this variant in disease. Therefore, it has been classified as a Variant of Uncertain Significance. Algorithms developed to predict the effect of missense changes on protein structure and function are either unavailable or do not agree on the potential impact of this missense change (SIFT: "Tolerated"; PolyPhen-2: "Possibly Damaging"; Align-GVGD: "Class C0").

NM_020800.3(IFT80):c.331G>A (p.Ala111Thr)

Genes: IFT80 (intraflagellar transport 80; minus strand), TRIM59-IFT80 (TRIM59-IFT80 readthrough (NMD candidate); minus strand). Cytogenetic location: 3q25.33.
Variant type: single nucleotide variant.
Coding change: c.331G>A on transcript NM_020800.3 (MANE Select); coding-DNA position 331, G replaced by A.
Protein change: p.Ala111Thr; replaces alanine 111 with threonine.
Molecular consequence: missense variant. On other transcripts: non-coding transcript variant (2), 5 prime UTR variant (2).
Genome position (GRCh38, 1-based): chr3:160,377,469, C>T on the plus strand (G>A on the coding strand, the complement: IFT80 is on the minus strand). VCF-style: chr3-160377469-C-T. GRCh37 (hg19) VCF-style: chr3-160095257-C-T.
Other names: c.-81G>A (NM_001190241.2, NM_001190242.2); short protein forms A111T.
Identifiers: ClinVar variation 1355372 (VCV001355372.8), dbSNP rs1712114570, ClinGen allele CA355194275.